The following is an entry in ClinVar:

ClinVar aggregate classification (germline): Uncertain significance (1 of 4 stars; one submission).

Allele frequency attached by ClinVar (database versions not stated): gnomAD exomes below 0.00001 and 0.00001; ExAC 0.00002.
gnomAD v4.1: 4 of 1,613,840 alleles (0.00025%); highest among the groups gnomAD compares: Non-Finnish European, 0.00034%; no homozygotes.

Submission:

Labcorp Genetics (formerly Invitae), Labcorp
Classification: Uncertain significance. Last evaluated: 2020-10-19. Review status: criteria provided, single submitter. Criteria: Invitae Variant Classification Sherloc (09022015). Collection method: clinical testing. Allele origin: germline.
Comment: In summary, the available evidence is currently insufficient to determine the role of this variant in disease. Therefore, it has been classified as a Variant of Uncertain Significance. Algorithms developed to predict the effect of missense changes on protein structure and function are either unavailable or do not agree on the potential impact of this missense change (SIFT: "Tolerated"; PolyPhen-2: "Probably Damaging"; Align-GVGD: "Class C0"). This variant has not been reported in the literature in individuals with TUBGCP6-related conditions. This variant is present in population databases (rs765823423, ExAC 0.003%). This sequence change replaces phenylalanine with tyrosine at codon 1812 of the TUBGCP6 protein (p.Phe1812Tyr). The phenylalanine residue is highly conserved and there is a small physicochemical difference between phenylalanine and tyrosine.

NM_020461.4(TUBGCP6):c.5435T>A (p.Phe1812Tyr)

Gene: TUBGCP6 (tubulin gamma complex component 6; minus strand). Cytogenetic location: 22q13.33.
Variant type: single nucleotide variant.
Coding change: c.5435T>A on transcript NM_020461.4 (MANE Select); coding-DNA position 5435, T replaced by A.
Protein change: p.Phe1812Tyr; replaces phenylalanine 1812 with tyrosine.
Molecular consequence: missense variant.
Genome position (GRCh38, 1-based): chr22:50,217,761, A>T on the plus strand (T>A on the coding strand, the complement: TUBGCP6 is on the minus strand). VCF-style: chr22-50217761-A-T. GRCh37 (hg19) VCF-style: chr22-50656190-A-T.
Other names: short protein forms F1812Y.
Identifiers: ClinVar variation 851494 (VCV000851494.9), dbSNP rs765823423, ClinGen allele CA10307005.
Genomic context (GRCh38, chr22:50,217,761, plus strand): 5'-ACACCTTTATTGTGCACGTCCCCCGCAGAGCAGCCTCAGGCGTCCTGGTAGTAGTTGTTG[A>T]AGTTGATGCGCAGCAGAAAGTCCTCCAGGTGGGGCTGGTAGCCGCGGTTCACCAGCTTGG-3'
Protein context (NP_065194.3, residues 1802-1819): HLEDFLLRIN[Phe1812Tyr]NNYYQDA